The following is an entry in ClinVar:

ClinVar aggregate classification (germline): Uncertain significance. Review status: criteria provided, multiple submitters, no conflicts (2 of 4 stars). 2 submissions from 2 submitters: Uncertain significance (2). Last evaluated 2022-05-30.

Allele frequency attached by ClinVar (database versions not stated): gnomAD exomes 0.00001; ExAC 0.00002.
gnomAD v4.1: 10 of 1,612,522 alleles (0.00062%); highest among the groups gnomAD compares: Non-Finnish European, 0.00085%; no homozygotes.

Submissions (2):

Labcorp Genetics (formerly Invitae), Labcorp
Classification: Uncertain significance. Last evaluated: 2022-05-30. Review status: criteria provided, single submitter. Criteria: Invitae Variant Classification Sherloc (09022015). Collection method: clinical testing. Allele origin: germline.
Comment: This variant is present in population databases (rs763939884, gnomAD 0.003%). This variant has not been reported in the literature in individuals affected with RTTN-related conditions. Algorithms developed to predict the effect of missense changes on protein structure and function (SIFT, PolyPhen-2, Align-GVGD) all suggest that this variant is likely to be disruptive. In summary, the available evidence is currently insufficient to determine the role of this variant in disease. Therefore, it has been classified as a Variant of Uncertain Significance. This sequence change replaces valine, which is neutral and non-polar, with aspartic acid, which is acidic and polar, at codon 670 of the RTTN protein (p.Val670Asp).

GeneDx
Classification: Uncertain significance. Last evaluated: 2022-03-16. Review status: criteria provided, single submitter. Criteria: GeneDx Variant Classification Process June 2021. Collection method: clinical testing. Allele origin: germline. Affected: yes.
Comment: Not observed at significant frequency in large population cohorts (gnomAD); In silico analysis supports that this missense variant has a deleterious effect on protein structure/function; Has not been previously published as pathogenic or benign to our knowledge

NM_173630.4(RTTN):c.2009T>A (p.Val670Asp)

Gene: RTTN (rotatin; minus strand). Cytogenetic location: 18q22.2.
Variant type: single nucleotide variant.
Coding change: c.2009T>A on transcript NM_173630.4 (MANE Select); coding-DNA position 2009, T replaced by A.
Protein change: p.Val670Asp; replaces valine 670 with aspartic acid.
Molecular consequence: missense variant. On other transcripts: 5 prime UTR variant (1).
Genome position (GRCh38, 1-based): chr18:70,150,654, A>T on the plus strand (T>A on the coding strand, the complement: RTTN is on the minus strand). VCF-style: chr18-70150654-A-T. GRCh37 (hg19) VCF-style: chr18-67817890-A-T.
Other names: c.-639T>A (NM_001318520.2); short protein forms V670D.
Identifiers: ClinVar variation 1706190 (VCV001706190.7), dbSNP rs763939884, ClinGen allele CA8996012.